The following is an entry in ClinVar:

NM_005337.5(NCKAP1L):c.3145A>C (p.Asn1049His)

Gene: NCKAP1L (NCK associated protein 1 like; plus strand). Cytogenetic location: 12q13.2.
Variant type: single nucleotide variant.
Coding change: c.3145A>C on transcript NM_005337.5 (MANE Select); coding-DNA position 3145, A replaced by C.
Protein change: p.Asn1049His; replaces asparagine 1049 with histidine.
Molecular consequence: missense variant.
Genome position (GRCh38, 1-based): chr12:54,537,015, A>C. VCF-style: chr12-54537015-A-C. GRCh37 (hg19) VCF-style: chr12-54930799-A-C.
Other names: c.2995A>C, p.Asn999His (NM_001184976.2); short protein forms N1049H, N999H.
Identifiers: ClinVar variation 1909769 (VCV001909769.5), dbSNP rs964113003, ClinGen allele CA237467396.

ClinVar aggregate classification (germline): Uncertain significance (1 of 4 stars; one submission).

gnomAD v4.1: 1 of 1,613,580 alleles (0.000062%); highest among the groups gnomAD compares: African/African-American, 0.0013%; no homozygotes.

Submission:

Labcorp Genetics (formerly Invitae), Labcorp
Classification: Uncertain significance. Last evaluated: 2025-06-12. Review status: criteria provided, single submitter. Criteria: Invitae Variant Classification Sherloc (09022015). Collection method: clinical testing. Allele origin: germline.
Comment: This sequence change replaces asparagine, which is neutral and polar, with histidine, which is basic and polar, at codon 1049 of the NCKAP1L protein (p.Asn1049His). This variant is not present in population databases (gnomAD no frequency). This variant has not been reported in the literature in individuals affected with NCKAP1L-related conditions. ClinVar contains an entry for this variant (Variation ID: 1909769). An algorithm developed to predict the effect of missense changes on protein structure and function (PolyPhen-2) suggests that this variant is likely to be tolerated. In summary, the available evidence is currently insufficient to determine the role of this variant in disease. Therefore, it has been classified as a Variant of Uncertain Significance.